The following is an entry in ClinVar:

ClinVar aggregate classification (germline): Uncertain significance (1 of 4 stars; one submission).

Submission:

GeneDx
Classification: Uncertain significance. Last evaluated: 2022-11-02. Review status: criteria provided, single submitter. Criteria: GeneDx Variant Classification Process June 2021. Collection method: clinical testing. Allele origin: germline. Affected: yes.
Comment: In-frame deletion of 1 amino acid in a non-repeat region; In silico analysis supports a deleterious effect on protein structure/function; Has not been previously published as pathogenic or benign to our knowledge

NM_001003787.4(STRADA):c.748CAG[1] (p.Gln251del)

Gene: STRADA (STE20 related adaptor alpha; minus strand). Cytogenetic location: 17q23.3.
Variant type: Microsatellite.
Coding change: c.748CAG[1] on transcript NM_001003787.4 (MANE Select); one copy of the 3-base unit CAG starting at c.748; the reference has two copies in a row; one copy, 3 bases deleted.
Protein change: p.Gln251del; deletes glutamine 251.
Molecular consequence: inframe deletion. On other transcripts: intron variant (1).
Genome position (GRCh38, 1-based): chr17:63,707,247-63,707,249, CTG deleted on the plus strand (CAG on the coding strand, the reverse complement: STRADA is on the minus strand); deleting any 3 consecutive bases within chr17:63,707,247-63,707,252 gives the same sequence; the position shown is the placement nearest the transcript's 3' end. VCF-style (leftmost placement, unchanged base first): chr17-63707246-CCTG-C. GRCh37 (hg19) VCF-style: chr17-61784606-CCTG-C.
Other names: c.637CAG[1], p.Gln214del (NM_001003786.3, NM_001363789.1, NM_153335.6); c.574CAG[1], p.Gln193del (NM_001003788.3, NM_001363790.1, NM_001363791.1); c.661CAG[1], p.Gln222del (NM_001165969.2, NM_001363787.1, NM_001411084.1); c.616CAG[1], p.Gln207del (NM_001165970.2); c.724CAG[1], p.Gln243del (NM_001363786.1); c.748CAG[1], p.Gln251del (NM_001363788.1, NM_001411083.1); c.582-510_582-508del (NM_001411085.1); short protein forms Q193del, Q207del, Q214del, Q222del, Q243del, Q251del.
Identifiers: ClinVar variation 2501394 (VCV002501394.1), dbSNP rs1229558333, ClinGen allele CA501201174.
Genomic context (GRCh38, chr17:63,707,246, plus strand): 5'-TGAAGGCTCCCTTGGGAATCATGAGTTGGGTAGGGGAGCTCCTCTGGGCCCACACACAGA[CCTG>C]CTGGAGGACCTCGGGGCTGAGCCACGGCAGAACCTTGACACTGTACTTGGGAAAATCGTG-3'